The following is an entry in ClinVar:

NM_001393797.1(ABCC12):c.614dup (p.Asn205fs)

Gene: ABCC12 (ATP binding cassette subfamily C member 12; minus strand). Cytogenetic location: 16q12.1.
Variant type: Duplication.
Coding change: c.614dup on transcript NM_001393797.1 (MANE Select); coding-DNA position 614, one base duplicated (A; older notation c.614dupA).
Protein change: p.Asn205fs; shifts the reading frame from asparagine 205.
Molecular consequence: frameshift variant. On other transcripts: non-coding transcript variant (6).
Genome position (GRCh38, 1-based): chr16:48,140,730, T duplicated on the plus strand (A on the coding strand, the reverse complement: ABCC12 is on the minus strand); the first of 4 consecutive T bases (chr16:48,140,730-48,140,733); duplicating any one gives the same sequence. VCF-style (leftmost placement, unchanged base first): chr16-48140729-G-GT. GRCh37 (hg19) VCF-style: chr16-48174640-G-GT.
Other names: c.614dup, p.Asn205fs (NM_001392028.1, NM_033226.3); short protein forms N205fs.
Identifiers: ClinVar variation 4994043 (VCV004994043.1).

ClinVar aggregate classification (germline): Uncertain significance (1 of 4 stars; one submission).

Conditions:
ABCC12-related condition.

Submission:

PreventionGenetics, part of Exact Sciences
Classification: Uncertain significance for ABCC12-related condition. Last evaluated: 2026-01-15. Review status: criteria provided, single submitter. Criteria: ACMG Guidelines, 2015. Collection method: clinical testing. Allele origin: germline.
Comment: The ABCC12 c.614dupA variant is predicted to result in a frameshift and premature protein termination (p.Asn205Lysfs*23). To our knowledge, this variant has not been reported in the literature or in a large population database (gnomAD), indicating this variant is rare. At this time, the clinical significance of this variant is uncertain due to the absence of conclusive functional and genetic evidence.